The following is an entry in ClinVar:

NM_002878.4(RAD51D):c.265C>T (p.Leu89Phe)

Genes: RAD51L3-RFFL (RAD51L3-RFFL readthrough; minus strand), RAD51D (RAD51 paralog D; minus strand). Cytogenetic location: 17q12.
Variant type: single nucleotide variant.
Coding change: c.265C>T on transcript NM_002878.4 (MANE Select); coding-DNA position 265, C replaced by T.
Protein change: p.Leu89Phe; replaces leucine 89 with phenylalanine.
Molecular consequence: missense variant. On other transcripts: non-coding transcript variant (2), intron variant (1).
Genome position (GRCh38, 1-based): chr17:35,107,446, G>A on the plus strand (C>T on the coding strand, the complement: RAD51D is on the minus strand). VCF-style: chr17-35107446-G-A. GRCh37 (hg19) VCF-style: chr17-33434465-G-A.
Other names: c.325C>T, p.Leu109Phe (NM_001142571.2); c.145-965C>T (NM_133629.3); short protein forms L109F, L89F.
Identifiers: ClinVar variation 1051075 (VCV001051075.13), dbSNP rs2142437449, ClinGen allele CA399090033.

ClinVar aggregate classification (germline): Uncertain significance. Review status: criteria provided, multiple submitters, no conflicts (2 of 4 stars). 3 submissions from 3 submitters: Uncertain significance (3). Last evaluated 2024-11-28.

Conditions:
Hereditary cancer-predisposing syndrome. Also called: Tumor predisposition; Hereditary neoplastic syndrome; Hereditary Cancer Syndrome; Neoplastic Syndromes, Hereditary. Identifiers: Orphanet 140162, MedGen C0027672, MeSH D009386, MONDO:0015356.
Breast-ovarian cancer, familial, susceptibility to, 4. Identifiers: Orphanet 145, MedGen C3280345, MONDO:0013669, OMIM 614291.

gnomAD v4.1: 7 of 1,540,378 alleles (0.00045%); highest among the groups gnomAD compares: Non-Finnish European, 0.00063%; no homozygotes.

Submissions (3):

Ambry Genetics
Classification: Uncertain significance for Hereditary cancer-predisposing syndrome. Last evaluated: 2024-11-28. Review status: criteria provided, single submitter. Criteria: Ambry Variant Classification Scheme 2023. Collection method: clinical testing. Allele origin: germline.
Comment: The p.L89F variant (also known as c.265C>T), located in coding exon 4 of the RAD51D gene, results from a C to T substitution at nucleotide position 265. The leucine at codon 89 is replaced by phenylalanine, an amino acid with highly similar properties. This amino acid position is conserved. In addition, the in silico prediction for this alteration is inconclusive. Since supporting evidence is limited at this time, the clinical significance of this alteration remains unclear.

Fulgent Genetics
Classification: Uncertain significance for Breast-ovarian cancer, familial, susceptibility to, 4. Last evaluated: 2022-04-01. Review status: criteria provided, single submitter. Criteria: ACMG Guidelines, 2015. Collection method: clinical testing. Allele origin: unknown.

Labcorp Genetics (formerly Invitae), Labcorp
Classification: Uncertain significance for Breast-ovarian cancer, familial, susceptibility to, 4. Last evaluated: 2022-02-23. Review status: criteria provided, single submitter. Criteria: Invitae Variant Classification Sherloc (09022015). Collection method: clinical testing. Allele origin: germline.
Comment: In summary, the available evidence is currently insufficient to determine the role of this variant in disease. Therefore, it has been classified as a Variant of Uncertain Significance. This variant is not present in population databases (gnomAD no frequency). This variant has not been reported in the literature in individuals affected with RAD51D-related conditions. ClinVar contains an entry for this variant (Variation ID: 1051075). Algorithms developed to predict the effect of missense changes on protein structure and function are either unavailable or do not agree on the potential impact of this missense change (SIFT: "Deleterious"; PolyPhen-2: "Possibly Damaging"; Align-GVGD: "Class C15"). This sequence change replaces leucine, which is neutral and non-polar, with phenylalanine, which is neutral and non-polar, at codon 89 of the RAD51D protein (p.Leu89Phe).